The following is an entry in ClinVar:

NM_000297.4(PKD2):c.-3G>A

Genes: PKD2 (polycystin 2, transient receptor potential cation channel; plus strand), LOC129992813 (ATAC-STARR-seq lymphoblastoid silent region 15559; plus strand). Cytogenetic location: 4q22.1.
Variant type: single nucleotide variant.
Coding change: c.-3G>A on transcript NM_000297.4 (MANE Select); 3 bases upstream of the start codon, G replaced by A.
Molecular consequence: 5 prime UTR variant. On other transcripts: non-coding transcript variant (1).
Genome position (GRCh38, 1-based): chr4:88,007,731, G>A. VCF-style: chr4-88007731-G-A. GRCh37 (hg19) VCF-style: chr4-88928883-G-A.
Identifiers: ClinVar variation 3029240 (VCV003029240.2), dbSNP rs1200796583, ClinGen allele CA552866291.

ClinVar aggregate classification (germline): Likely benign (0 of 4 stars; one submission).

Conditions:
PKD2-related disorder. Also called: PKD2-related condition.

Allele frequency attached by ClinVar (database versions not stated): gnomAD exomes below 0.00001; TOPMed 0.00002.

Submission:

PreventionGenetics, part of Exact Sciences
Classification: Likely benign for PKD2-related condition. Last evaluated: 2021-07-14. Review status: no assertion criteria provided. Collection method: clinical testing. Allele origin: germline.
Comment: This variant is classified as likely benign based on ACMG/AMP sequence variant interpretation guidelines (Richards et al. 2015 PMID: 25741868, with internal and published modifications).